The following is an entry in ClinVar:

ClinVar aggregate classification (germline): Likely pathogenic. Review status: criteria provided, multiple submitters, no conflicts (2 of 4 stars). 2 submissions from 2 submitters: Likely pathogenic (2). Last evaluated 2024-11-19.

Conditions:
Zellweger spectrum disorders (ZS). Also called: Zellweger Spectrum Disorder; Zellweger Spectrum; Zellweger syndrome; Zellweger Spectrum Disorder (ZSD). Identifiers: Orphanet 912, MedGen C0043459, MONDO:0019609.
Peroxisome biogenesis disorder. Identifiers: Orphanet 79189, MedGen C1832200, MONDO:0019234. Disease mechanism: loss of function.

Allele frequency attached by ClinVar (database versions not stated): gnomAD exomes below 0.00001.

Submissions (2):

Natera, Inc.
Classification: Likely pathogenic for Zellweger syndrome. Last evaluated: 2024-11-19. Review status: criteria provided, single submitter. Criteria: Natera Variant Classification Schema (03/2026). Collection method: clinical testing. Allele origin: germline.
Comment: The c.2589-1G>T variant in PEX6 is a canonical splice acceptor site variant predicted to affect pre-mRNA splicing, which may result in an abnormal transcript and altered protein product. This variant is expected to result in nonsense mediated decay, truncation, or a dysfunctional protein product. This variant is rare in the general population with a frequency below the threshold expected for the associated phenotype(s). Given the available evidence, this variant is classified as Likely Pathogenic.

Labcorp Genetics (formerly Invitae), Labcorp
Classification: Likely pathogenic for Peroxisome biogenesis disorder. Last evaluated: 2020-12-04. Review status: criteria provided, single submitter. Criteria: Invitae Variant Classification Sherloc (09022015). Collection method: clinical testing. Allele origin: germline.
Comment: In summary, the currently available evidence indicates that the variant is pathogenic, but additional data are needed to prove that conclusively. Therefore, this variant has been classified as Likely Pathogenic. Algorithms developed to predict the effect of sequence changes on RNA splicing suggest that this variant may disrupt the consensus splice site, but this prediction has not been confirmed by published transcriptional studies. This variant has not been reported in the literature in individuals with PEX6-related conditions. This variant is not present in population databases (ExAC no frequency). This sequence change affects an acceptor splice site in intron 14 of the PEX6 gene. It is expected to disrupt RNA splicing. Variants that disrupt the donor or acceptor splice site typically lead to a loss of protein function (PMID: 16199547), and loss-of-function variants in PEX6 are known to be pathogenic (PMID: 8670792, 19877282, 21031596).

Literature cited by the submitters: PubMed 16199547 (cited by Labcorp Genetics (formerly Invitae), Labcorp); PubMed 8670792 (cited by Labcorp Genetics (formerly Invitae), Labcorp); PubMed 19877282 (cited by Labcorp Genetics (formerly Invitae), Labcorp); PubMed 21031596 (cited by Labcorp Genetics (formerly Invitae), Labcorp).

NM_000287.4(PEX6):c.2589-1G>T

Gene: PEX6 (peroxisomal biogenesis factor 6; minus strand). Cytogenetic location: 6p21.1.
Variant type: single nucleotide variant.
Coding change: c.2589-1G>T on transcript NM_000287.4 (MANE Select); the canonical splice acceptor site of the intron before coding-DNA position 2589, G replaced by T.
Molecular consequence: splice acceptor variant.
Genome position (GRCh38, 1-based): chr6:42,965,153, C>A on the plus strand (G>T on the coding strand, the complement: PEX6 is on the minus strand). VCF-style: chr6-42965153-C-A. GRCh37 (hg19) VCF-style: chr6-42932891-C-A.
Other names: c.2325-1G>T (NM_001316313.2); c.2589-1G>T (NM_000287.3).
Identifiers: ClinVar variation 1514474 (VCV001514474.9), dbSNP rs2114237186, ClinGen allele CA364150806.
Genomic context (GRCh38, chr6:42,965,153, plus strand): 5'-AGAACGCGTAGCTGGGAGGCCCGGTCCTCATTTGCCCCCACAAACACCAGCTTGTCAAAT[C>A]TTTAGGGAGATAGGCAGGTATAAGTTTCAGGGAGCCCAGCCATGAGGGGTGAAGGAGGCA-3'